The following is an entry in ClinVar:

NM_001130009.3(GEN1):c.2255C>A (p.Thr752Asn)

Gene: GEN1 (GEN1 Holliday junction 5' flap endonuclease; plus strand). Cytogenetic location: 2p24.2.
Variant type: single nucleotide variant.
Coding change: c.2255C>A on transcript NM_001130009.3 (MANE Select); coding-DNA position 2255, C replaced by A.
Protein change: p.Thr752Asn; replaces threonine 752 with asparagine.
Molecular consequence: missense variant.
Genome position (GRCh38, 1-based): chr2:17,781,467, C>A. VCF-style: chr2-17781467-C-A. GRCh37 (hg19) VCF-style: chr2-17962734-C-A.
Other names: c.2255C>A, p.Thr752Asn (NM_182625.5); short protein forms T752N.
Identifiers: ClinVar variation 4029198 (VCV004029198.1).
Genomic context (GRCh38, chr2:17,781,467, plus strand): 5'-CCAGAGACTCTAAAATTCTAAAAGGAGACCAGCTGCTTCAAGAAGACTATAAAGTCAATA[C>A]TTCTGTCCCTTATTCTGTCAGTAACACAGTGGTAAAGACCTGCAATGTTAGACCACCAAA-3'
Protein context (NP_001123481.3, residues 742-762): QLLQEDYKVN[Thr752Asn]SVPYSVSNTV

ClinVar aggregate classification (germline): Uncertain significance (1 of 4 stars; one submission).

gnomAD v4.1: 2 of 1,613,470 alleles (0.00012%); highest among the groups gnomAD compares: South Asian, 0.0011%; no homozygotes.

Submission:

Ambry Genetics
Classification: Uncertain significance. Last evaluated: 2025-04-04. Review status: criteria provided, single submitter. Criteria: Ambry Variant Classification Scheme 2023. Collection method: clinical testing. Allele origin: germline.
Comment: The p.T752N variant (also known as c.2255C>A), located in coding exon 13 of the GEN1 gene, results from a C to A substitution at nucleotide position 2255. The threonine at codon 752 is replaced by asparagine, an amino acid with similar properties. This amino acid position is conserved. In addition, this alteration is predicted to be tolerated by in silico analysis. Based on the available evidence, the clinical significance of this variant remains unclear.